The following is an entry in ClinVar:

ClinVar aggregate classification (germline): Uncertain significance. Review status: criteria provided, multiple submitters, no conflicts (2 of 4 stars). 2 submissions from 2 submitters: Uncertain significance (2). Last evaluated 2024-10-13.

Conditions:
Cardiovascular phenotype. Identifiers: MedGen CN230736.
Long QT syndrome (LQTS). Identifiers: MedGen C0023976, MeSH D008133, MONDO:0002442. Disease mechanism: loss of function. Inheritance: Various modes of inheritance.

Allele frequency attached by ClinVar (database versions not stated): gnomAD exomes 0.00001 and 0.00002; gnomAD 0.00002; ExAC 0.00003; TOPMed 0.00006; ESP Exome Variant Server 0.00008.
gnomAD v4.1: 17 of 1,577,674 alleles (0.0011%); highest among the groups gnomAD compares: Admixed American, 0.011%; no homozygotes.

Submissions (2):

Labcorp Genetics (formerly Invitae), Labcorp
Classification: Uncertain significance for Long QT syndrome. Last evaluated: 2024-10-13. Review status: criteria provided, single submitter. Criteria: Invitae Variant Classification Sherloc (09022015). Collection method: clinical testing. Allele origin: germline.
Comment: This sequence change replaces arginine, which is basic and polar, with cysteine, which is neutral and slightly polar, at codon 2243 of the AKAP9 protein (p.Arg2243Cys). This variant is present in population databases (rs140457022, gnomAD 0.01%). This variant has not been reported in the literature in individuals affected with AKAP9-related conditions. ClinVar contains an entry for this variant (Variation ID: 1387486). An algorithm developed to predict the effect of missense changes on protein structure and function (PolyPhen-2) suggests that this variant is likely to be disruptive. In summary, the available evidence is currently insufficient to determine the role of this variant in disease. Therefore, it has been classified as a Variant of Uncertain Significance.

Ambry Genetics
Classification: Uncertain significance for Cardiovascular phenotype. Last evaluated: 2024-07-09. Review status: criteria provided, single submitter. Criteria: Ambry Variant Classification Scheme 2023. Collection method: clinical testing. Allele origin: germline.

NM_005751.5(AKAP9):c.6727C>T (p.Arg2243Cys)

Gene: AKAP9 (A-kinase anchoring protein 9; plus strand). Cytogenetic location: 7q21.2.
Variant type: single nucleotide variant.
Coding change: c.6727C>T on transcript NM_005751.5 (MANE Select); coding-DNA position 6727, C replaced by T.
Protein change: p.Arg2243Cys; replaces arginine 2243 with cysteine.
Molecular consequence: missense variant.
Genome position (GRCh38, 1-based): chr7:92,076,969, C>T. VCF-style: chr7-92076969-C-T. GRCh37 (hg19) VCF-style: chr7-91706283-C-T.
Other names: c.1372C>T, p.Arg458Cys (NM_001379277.1); c.6703C>T, p.Arg2235Cys (NM_147185.3); c.6727C>T (NM_005751.4); short protein forms R458C, R2235C, R2243C.
Identifiers: ClinVar variation 1387486 (VCV001387486.7), dbSNP rs140457022, ClinGen allele CA4337149.